The following is an entry in ClinVar:

NM_006766.5(KAT6A):c.4598T>C (p.Met1533Thr)

Gene: KAT6A (lysine acetyltransferase 6A; minus strand). Cytogenetic location: 8p11.21.
Variant type: single nucleotide variant.
Coding change: c.4598T>C on transcript NM_006766.5 (MANE Select); coding-DNA position 4598, T replaced by C.
Protein change: p.Met1533Thr; replaces methionine 1533 with threonine.
Molecular consequence: missense variant.
Genome position (GRCh38, 1-based): chr8:41,933,622, A>G on the plus strand (T>C on the coding strand, the complement: KAT6A is on the minus strand). VCF-style: chr8-41933622-A-G. GRCh37 (hg19) VCF-style: chr8-41791140-A-G.
Other names: short protein forms M1533T.
Identifiers: ClinVar variation 1034309 (VCV001034309.6), dbSNP rs1821679735, ClinGen allele CA371065387.
Genomic context (GRCh38, chr8:41,933,622, plus strand): 5'-AGGTCACTGAAGCCGCTGTCCACCACCTGCTGAGAGTGGTCTGATACGGAAGGCACATCC[A>G]TCATGGGGCTGGTCTCCATGTTCTGCATAGAGGGTGCGGACAGGGATCCTTGTTCTGGGC-3'
Protein context (NP_006757.2, residues 1523-1543): SMQNMETSPM[Met1533Thr]DVPSVSDHSQ

ClinVar aggregate classification (germline): Uncertain significance. Review status: criteria provided, multiple submitters, no conflicts (2 of 4 stars). 2 submissions from 2 submitters: Uncertain significance (2). Last evaluated 2025-07-06.

Conditions:
Autosomal dominant intellectual disability-craniofacial anomalies-cardiac defects syndrome (ARTHS). Also called: Arboleda-Tham syndrome; KAT6A syndrome; Mental retardation, autosomal dominant 32. Identifiers: Orphanet 457193, MedGen C4225396, MONDO:0014558, OMIM 616268.

Allele frequency attached by ClinVar (database versions not stated): TOPMed below 0.00001.

Submissions (2):

Labcorp Genetics (formerly Invitae), Labcorp
Classification: Uncertain significance. Last evaluated: 2025-07-06. Review status: criteria provided, single submitter. Criteria: Invitae Variant Classification Sherloc (09022015). Collection method: clinical testing. Allele origin: germline.
Comment: This sequence change replaces methionine, which is neutral and non-polar, with threonine, which is neutral and polar, at codon 1533 of the KAT6A protein (p.Met1533Thr). This variant is not present in population databases (gnomAD no frequency). This variant has not been reported in the literature in individuals affected with KAT6A-related conditions. ClinVar contains an entry for this variant (Variation ID: 1034309). Invitae Evidence Modeling of protein sequence and biophysical properties (such as structural, functional, and spatial information, amino acid conservation, physicochemical variation, residue mobility, and thermodynamic stability) indicates that this missense variant is not expected to disrupt KAT6A protein function with a negative predictive value of 95%. In summary, the available evidence is currently insufficient to determine the role of this variant in disease. Therefore, it has been classified as a Variant of Uncertain Significance.

Baylor Genetics
Classification: Uncertain significance for Autosomal dominant intellectual disability-craniofacial anomalies-cardiac defects syndrome. Last evaluated: 2018-11-08. Review status: criteria provided, single submitter. Criteria: ACMG Guidelines, 2015. Collection method: clinical testing. Allele origin: paternal. Affected: yes.
Comment: This variant was determined to be of uncertain significance according to ACMG Guidelines, 2015 [PMID:25741868].